The following is an entry in ClinVar:

ClinVar aggregate classification (germline): Likely pathogenic (1 of 4 stars; one submission).

Conditions:
Dilated cardiomyopathy 1G (CMD1G). Identifiers: Orphanet 154, MedGen C1858763, MONDO:0011400, OMIM 604145.
Autosomal recessive limb-girdle muscular dystrophy type 2J (LGMDR10). Also called: Limb-girdle muscular dystrophy, type 2J; MUSCULAR DYSTROPHY, LIMB-GIRDLE, AUTOSOMAL RECESSIVE 10. Identifiers: Orphanet 140922, MedGen C1837342, MONDO:0012127, OMIM 608807.

Submission:

Labcorp Genetics (formerly Invitae), Labcorp
Classification: Likely pathogenic for Dilated cardiomyopathy 1G; Autosomal recessive limb-girdle muscular dystrophy type 2J. Last evaluated: 2024-10-28. Review status: criteria provided, single submitter. Criteria: Invitae Variant Classification Sherloc (09022015). Collection method: clinical testing. Allele origin: germline.
Comment: This sequence change creates a premature translational stop signal (p.Leu15585Aspfs*7) in the TTN gene. While this is not anticipated to result in nonsense mediated decay, it is expected to create a truncated TTN protein. This variant is not present in population databases (gnomAD no frequency). This variant has not been reported in the literature in individuals affected with TTN-related conditions. ClinVar contains an entry for this variant (Variation ID: 1400794). This variant is located in the I band of TTN (PMID: 25589632). Truncating variants in this region have been reported in individuals affected with autosomal recessive centronuclear myopathy (PMID: 23975875, internal data). Truncating variants in this region have also been identified in individuals affected with autosomal dominant dilated cardiomyopathy and/or cardio-related conditions (PMID: 27869827, 32964742, internal data). In summary, the currently available evidence indicates that the variant is pathogenic, but additional data are needed to prove that conclusively. Therefore, this variant has been classified as Likely Pathogenic.

Literature cited by the submitters: PubMed 25589632; PubMed 23975875; PubMed 27869827; PubMed 32964742.

NM_001267550.2(TTN):c.46753_46754del (p.Leu15585fs)

Genes: TTN-AS1 (TTN antisense RNA 1; plus strand), TTN (titin; minus strand). Cytogenetic location: 2q31.2.
Variant type: Microsatellite.
Coding change: c.46753_46754del on transcript NM_001267550.2 (MANE Select); coding-DNA positions 46753 to 46754, 2 bases deleted (CT; older notation c.46753_46754delCT).
Protein change: p.Leu15585fs; shifts the reading frame from leucine 15585.
Molecular consequence: frameshift variant.
Genome position (GRCh38, 1-based): chr2:178,618,796-178,618,797, AG deleted on the plus strand (CT on the coding strand, the reverse complement: TTN is on the minus strand); deleting any 2 consecutive bases within chr2:178,618,796-178,618,799 gives the same sequence; the c. name uses the placement nearest the transcript's 3' end. VCF-style (leftmost placement, unchanged base first): chr2-178618795-CAG-C. GRCh37 (hg19) VCF-style: chr2-179483522-CAG-C.
Other names: c.41830_41831del, p.Leu13944fs (NM_001256850.1); c.19558_19559del, p.Leu6520fs (NM_003319.4); c.39049_39050del, p.Leu13017fs (NM_133378.4); c.19933_19934del, p.Leu6645fs (NM_133432.3); c.20134_20135del, p.Leu6712fs (NM_133437.4); short protein forms L13944fs, L6712fs, L13017fs, L15585fs, L6520fs, L6645fs.
Identifiers: ClinVar variation 1400794 (VCV001400794.8), dbSNP rs2154209917, ClinGen allele CA2580614511.